The following is an entry in ClinVar:

NM_000038.6(APC):c.6678A>G (p.Arg2226=)

Gene: APC (APC regulator of Wnt signaling pathway; plus strand). Cytogenetic location: 5q22.2.
Variant type: single nucleotide variant.
Coding change: c.6678A>G on transcript NM_000038.6 (MANE Select); coding-DNA position 6678, A replaced by G.
Protein change: p.Arg2226=; no amino-acid change (arginine 2226 retained).
Molecular consequence: synonymous variant. On other transcripts: non-coding transcript variant (2).
Genome position (GRCh38, 1-based): chr5:112,842,272, A>G. VCF-style: chr5-112842272-A-G. GRCh37 (hg19) VCF-style: chr5-112177969-A-G.
Other names: c.6678A>G, p.Arg2226= (NM_001127510.3, NM_001354895.2, NM_001407450.1); c.6624A>G, p.Arg2208= (NM_001127511.3); c.6732A>G, p.Arg2244= (NM_001354896.2, NM_001407447.1, NM_001407448.1 and 1 more transcripts); c.6708A>G, p.Arg2236= (NM_001354897.2); c.6603A>G, p.Arg2201= (NM_001354898.2); c.6594A>G, p.Arg2198= (NM_001354899.2); c.6555A>G, p.Arg2185= (NM_001354900.2); c.6501A>G, p.Arg2167= (NM_001354901.2, NM_001407453.1); and 11 more.
Identifiers: ClinVar variation 2586993 (VCV002586993.3), dbSNP rs2149970451, ClinGen allele CA446209912.

ClinVar aggregate classification (germline): Benign/Likely benign. Review status: criteria provided, multiple submitters, no conflicts (2 of 4 stars). 2 submissions from 2 submitters: Benign (1); Likely benign (1). Last evaluated 2024-04-05.

Conditions:
Familial adenomatous polyposis 1 (FAP1). Also called: FAMILIAL ADENOMATOUS POLYPOSIS 1, ATTENUATED; POLYPOSIS, ADENOMATOUS INTESTINAL. Identifiers: MedGen C2713442, MONDO:0021056, OMIM 175100. Disease mechanism: loss of function.
Hereditary cancer-predisposing syndrome. Also called: Hereditary neoplastic syndrome; Tumor predisposition; Hereditary Cancer Syndrome; Neoplastic Syndromes, Hereditary. Identifiers: Orphanet 140162, MedGen C0027672, MeSH D009386, MONDO:0015356.

Submissions (2):

Myriad Genetics, Inc.
Classification: Benign for Familial adenomatous polyposis 1. Last evaluated: 2024-04-05. Review status: criteria provided, single submitter. Criteria: Myriad Autosomal Dominant, Autosomal Recessive and X-Linked Classification Criteria (2023). Collection method: clinical testing. Allele origin: unknown.
Comment: This variant is considered benign. This variant is a silent/synonymous amino acid change and it is not expected to impact splicing.

Ambry Genetics
Classification: Likely benign for Hereditary cancer-predisposing syndrome. Last evaluated: 2023-06-25. Review status: criteria provided, single submitter. Criteria: Ambry Variant Classification Scheme 2023. Collection method: clinical testing. Allele origin: germline.